The following is an entry in ClinVar:

NM_182943.3(PLOD2):c.*32T>C

Gene: PLOD2 (procollagen-lysine,2-oxoglutarate 5-dioxygenase 2; minus strand). Cytogenetic location: 3q24.
Variant type: single nucleotide variant.
Coding change: c.*32T>C on transcript NM_182943.3 (MANE Select); 32 bases downstream of the stop codon, T replaced by C.
Molecular consequence: 3 prime UTR variant.
Genome position (GRCh38, 1-based): chr3:146,070,685, A>G on the plus strand (T>C on the coding strand, the complement: PLOD2 is on the minus strand). VCF-style: chr3-146070685-A-G. GRCh37 (hg19) VCF-style: chr3-145788472-A-G.
Other names: c.*32T>C (NM_000935.3).
Identifiers: ClinVar variation 902705 (VCV000902705.6), dbSNP rs148862685, ClinGen allele CA2654657.

ClinVar aggregate classification (germline): Benign/Likely benign. Review status: criteria provided, multiple submitters, no conflicts (2 of 4 stars). 2 submissions from 2 submitters: Benign (1); Likely benign (1). Last evaluated 2018-07-08.

Conditions:
Bruck syndrome 2 (BRKS2). Also called: OSTEOGENESIS IMPERFECTA WITH CONGENITAL JOINT CONTRACTURES. Identifiers: Orphanet 2771, MedGen C1836602, MONDO:0012217, OMIM 609220.

Allele frequency attached by ClinVar (database versions not stated): gnomAD exomes 0.00060 and 0.00140; ExAC 0.00179; gnomAD 0.00490 and 0.00531; 1000 Genomes Project 0.00499; 1000 Genomes Project 30x 0.00515; TOPMed 0.00580; ESP Exome Variant Server 0.00631.
gnomAD v4.1: 1,572 of 1,490,848 alleles (0.11%); highest among the groups gnomAD compares: African/African-American, 1.7%; 10 homozygotes.

Submissions (2):

GeneDx
Classification: Likely benign. Last evaluated: 2018-07-08. Review status: criteria provided, single submitter. Criteria: GeneDx Variant Classification Process June 2021. Collection method: clinical testing. Allele origin: germline. Affected: yes.

Illumina Laboratory Services, Illumina
Classification: Benign for Bruck syndrome 2. Last evaluated: 2018-01-13. Review status: criteria provided, single submitter. Criteria: ICSL Variant Classification Criteria 13 December 2019. Collection method: clinical testing. Allele origin: germline.
Comment: This variant was observed in the ICSL laboratory as part of a predisposition screen in an ostensibly healthy population. It had not been previously curated by ICSL or reported in the Human Gene Mutation Database (HGMD: prior to June 1st, 2018), and was therefore a candidate for classification through an automated scoring system. Utilizing variant allele frequency, disease prevalence and penetrance estimates, and inheritance mode, an automated score was calculated to assess if this variant is too frequent to cause the disease. Based on the score and internal cut-off values, a variant classified as benign is not then subjected to further curation. The score for this variant resulted in a classification of benign for this disease.